The following is an entry in ClinVar:

ClinVar aggregate classification (germline): Uncertain significance (1 of 4 stars; one submission).

Allele frequency attached by ClinVar (database versions not stated): gnomAD exomes 0.00001; TOPMed below 0.00001; ExAC 0.00005.
gnomAD v4.1: 16 of 1,150,154 alleles (0.0014%); highest among the groups gnomAD compares: South Asian, 0.017%; no homozygotes.

Submission:

Labcorp Genetics (formerly Invitae), Labcorp
Classification: Uncertain significance. Last evaluated: 2025-04-07. Review status: criteria provided, single submitter. Criteria: Invitae Variant Classification Sherloc (09022015). Collection method: clinical testing. Allele origin: germline.
Comment: This sequence change replaces alanine, which is neutral and non-polar, with serine, which is neutral and polar, at codon 1020 of the NLRP1 protein (p.Ala1020Ser). This variant is present in population databases (rs35728399, gnomAD 0.02%). This variant has not been reported in the literature in individuals affected with NLRP1-related conditions. ClinVar contains an entry for this variant (Variation ID: 2978425). An algorithm developed to predict the effect of missense changes on protein structure and function (PolyPhen-2) suggests that this variant is likely to be tolerated. In summary, the available evidence is currently insufficient to determine the role of this variant in disease. Therefore, it has been classified as a Variant of Uncertain Significance.

NM_033004.4(NLRP1):c.3058G>T (p.Ala1020Ser)

Gene: NLRP1 (NLR family pyrin domain containing 1; minus strand). Cytogenetic location: 17p13.2.
Variant type: single nucleotide variant.
Coding change: c.3058G>T on transcript NM_033004.4 (MANE Select); coding-DNA position 3058, G replaced by T.
Protein change: p.Ala1020Ser; replaces alanine 1020 with serine.
Molecular consequence: missense variant.
Genome position (GRCh38, 1-based): chr17:5,533,379, C>A on the plus strand (G>T on the coding strand, the complement: NLRP1 is on the minus strand). VCF-style: chr17-5533379-C-A. GRCh37 (hg19) VCF-style: chr17-5436699-C-A.
Other names: c.3058G>T, p.Ala1020Ser (NM_001033053.3, NM_014922.5); c.2968G>T, p.Ala990Ser (NM_033006.4, NM_033007.4); short protein forms A990S, A1020S.
Identifiers: ClinVar variation 2978425 (VCV002978425.3), dbSNP rs35728399, ClinGen allele CA8326938.